The following is an entry in ClinVar:

ClinVar aggregate classification (germline): Uncertain significance. Review status: criteria provided, multiple submitters, no conflicts (2 of 4 stars). 4 submissions from 4 submitters: Uncertain significance (4). Last evaluated 2025-06-22.

Conditions:
Inborn genetic diseases. Identifiers: MedGen C0950123, MeSH D030342.
Autosomal recessive osteopetrosis 1. Also called: ALBERS-SCHONBERG DISEASE, AUTOSOMAL RECESSIVE; TCIRG1-Related Autosomal Recessive Osteopetrosis; TCIRG1-Related Osteopetrosis. Identifiers: Orphanet 667, MedGen C1850127, MONDO:0009815, OMIM 259700.

Allele frequency attached by ClinVar (database versions not stated): gnomAD 0.00003; TOPMed 0.00003.
gnomAD v4.1: 37 of 1,548,706 alleles (0.0024%); highest among the groups gnomAD compares: South Asian, 0.0036%; no homozygotes.

Submissions (4):

Labcorp Genetics (formerly Invitae), Labcorp
Classification: Uncertain significance. Last evaluated: 2025-06-22. Review status: criteria provided, single submitter. Criteria: Invitae Variant Classification Sherloc (09022015). Collection method: clinical testing. Allele origin: germline.
Comment: This sequence change replaces alanine, which is neutral and non-polar, with threonine, which is neutral and polar, at codon 130 of the TCIRG1 protein (p.Ala130Thr). This variant is present in population databases (no rsID available, gnomAD 0.004%). This variant has not been reported in the literature in individuals affected with TCIRG1-related conditions. ClinVar contains an entry for this variant (Variation ID: 2179189). Invitae Evidence Modeling of protein sequence and biophysical properties (such as structural, functional, and spatial information, amino acid conservation, physicochemical variation, residue mobility, and thermodynamic stability) indicates that this missense variant is not expected to disrupt TCIRG1 protein function with a negative predictive value of 80%. In summary, the available evidence is currently insufficient to determine the role of this variant in disease. Therefore, it has been classified as a Variant of Uncertain Significance.

Ambry Genetics
Classification: Uncertain significance for Inborn genetic diseases. Last evaluated: 2023-02-28. Review status: criteria provided, single submitter. Criteria: Ambry Variant Classification Scheme 2023. Collection method: clinical testing. Allele origin: germline.

Department of Pathology and Laboratory Medicine, Sinai Health System
Classification: Uncertain significance for Autosomal recessive osteopetrosis 1. Last evaluated: 2021-07-30. Review status: criteria provided, single submitter. Criteria: ACMG Guidelines, 2015. Collection method: research. Allele origin: germline.

Blueprint Genetics
Classification: Uncertain significance. Last evaluated: 2017-10-23. Review status: criteria provided, single submitter. Criteria: ACMG Guidelines, 2015. Collection method: clinical testing. Allele origin: germline.

NM_006019.4(TCIRG1):c.388G>A (p.Ala130Thr)

Gene: TCIRG1 (T cell immune regulator 1, ATPase H+ transporting V0 subunit a3; plus strand). Cytogenetic location: 11q13.2.
Variant type: single nucleotide variant.
Coding change: c.388G>A on transcript NM_006019.4 (MANE Select); coding-DNA position 388, G replaced by A.
Protein change: p.Ala130Thr; replaces alanine 130 with threonine.
Molecular consequence: missense variant. On other transcripts: 5 prime UTR variant (1).
Genome position (GRCh38, 1-based): chr11:68,042,834, G>A. VCF-style: chr11-68042834-G-A. GRCh37 (hg19) VCF-style: chr11-67810301-G-A.
Other names: c.-862G>A (NM_001351059.2); c.388G>A (NM_006019.3); short protein forms A130T.
Identifiers: ClinVar variation 2179189 (VCV002179189.7), dbSNP rs935429358, ClinGen allele CA224203044.